The following is an entry in ClinVar:

ClinVar aggregate classification (germline): Conflicting classifications of pathogenicity. Review status: criteria provided, conflicting classifications (1 of 4 stars). 5 submissions from 4 submitters: Uncertain significance (1); Benign (2); Likely benign (2). Last evaluated 2026-01-06.

Conditions:
Congenital stationary night blindness autosomal dominant 2. Also called: NIGHT BLINDNESS, CONGENITAL STATIONARY, RAMBUSCH TYPE. Identifiers: Orphanet 215, MedGen C1876182, MONDO:0008099, OMIM 163500.
Retinitis pigmentosa (RP). Identifiers: Orphanet 791, MedGen C0035334, MeSH D012174, MONDO:0019200, OMIM 268000. Inheritance: Autosomal dominant, autosomal recessive and X linked inheritance.

Allele frequency attached by ClinVar (database versions not stated): ESP Exome Variant Server 0.00031; TOPMed 0.00044; gnomAD 0.00056 and 0.00061; gnomAD exomes 0.00102; ExAC 0.00109.
gnomAD v4.1: 1,247 of 1,613,244 alleles (0.077%); highest among the groups gnomAD compares: Middle Eastern, 0.082%; 3 homozygotes.

Submissions (5):

Labcorp Genetics (formerly Invitae), Labcorp
Classification: Benign. Last evaluated: 2026-01-06. Review status: criteria provided, single submitter. Criteria: Invitae Variant Classification Sherloc (09022015). Collection method: clinical testing. Allele origin: germline.

Blueprint Genetics
Classification: Likely benign. Last evaluated: 2024-11-07. Review status: criteria provided, single submitter. Criteria: ACMG Guidelines, 2015. Collection method: clinical testing. Allele origin: germline.

CeGaT Center for Human Genetics Tuebingen
Classification: Likely benign. Last evaluated: 2024-07-01. Review status: criteria provided, single submitter. Criteria: CeGaT Center For Human Genetics Tuebingen Variant Classification Criteria Version 2. Collection method: clinical testing. Allele origin: germline. Affected: yes. Observed: 1 variant allele.
Comment: PDE6B: BP4, BP7

Illumina Laboratory Services, Illumina
Classification: Uncertain significance for Retinitis pigmentosa. Last evaluated: 2018-01-13. Review status: criteria provided, single submitter. Criteria: ICSL Variant Classification Criteria 13 December 2019. Collection method: clinical testing. Allele origin: germline.

Illumina Laboratory Services, Illumina
Classification: Benign for Congenital stationary night blindness autosomal dominant 2. Last evaluated: 2018-01-13. Review status: criteria provided, single submitter. Criteria: ICSL Variant Classification Criteria 13 December 2019. Collection method: clinical testing. Allele origin: germline.
Comment: This variant was observed in the ICSL laboratory as part of a predisposition screen in an ostensibly healthy population. It had not been previously curated by ICSL or reported in the Human Gene Mutation Database (HGMD: prior to June 1st, 2018), and was therefore a candidate for classification through an automated scoring system. Utilizing variant allele frequency, disease prevalence and penetrance estimates, and inheritance mode, an automated score was calculated to assess if this variant is too frequent to cause the disease. Based on the score and internal cut-off values, a variant classified as benign is not then subjected to further curation. The score for this variant resulted in a classification of benign for this disease.

NM_000283.4(PDE6B):c.1218C>T (p.Asp406=)

Gene: PDE6B (phosphodiesterase 6B; plus strand). Cytogenetic location: 4p16.3.
Variant type: single nucleotide variant.
Coding change: c.1218C>T on transcript NM_000283.4 (MANE Select); coding-DNA position 1218, C replaced by T.
Protein change: p.Asp406=; no amino-acid change (aspartic acid 406 retained).
Molecular consequence: synonymous variant.
Genome position (GRCh38, 1-based): chr4:656,984, C>T. VCF-style: chr4-656984-C-T. GRCh37 (hg19) VCF-style: chr4-650773-C-T.
Other names: c.1218C>T, p.Asp406= (NM_001145291.2); c.381C>T, p.Asp127= (NM_001145292.2, NM_001350154.3, NM_001379246.1 and 1 more transcripts); c.63C>T, p.Asp21= (NM_001350155.3).
Identifiers: ClinVar variation 349373 (VCV000349373.33), dbSNP rs148190219, ClinGen allele CA2794390.